The following is an entry in ClinVar:

ClinVar aggregate classification (germline): Uncertain significance (1 of 4 stars; one submission).

Conditions:
Inborn genetic diseases. Identifiers: MedGen C0950123, MeSH D030342.

Allele frequency attached by ClinVar (database versions not stated): TOPMed below 0.00001.
gnomAD v4.1: 42 of 1,614,170 alleles (0.0026%); highest among the groups gnomAD compares: Non-Finnish European, 0.0036%; no homozygotes.

Submission:

Ambry Genetics
Classification: Uncertain significance for Inborn genetic diseases. Last evaluated: 2022-11-10. Review status: criteria provided, single submitter. Criteria: Ambry Variant Classification Scheme 2023. Collection method: clinical testing. Allele origin: germline.
Comment: The p.D172G variant (also known as c.515A>G), located in coding exon 5 of the BUB1B gene, results from an A to G substitution at nucleotide position 515. The aspartic acid at codon 172 is replaced by glycine, an amino acid with similar properties. This amino acid position is conserved. In addition, this alteration is predicted to be deleterious by in silico analysis. Since supporting evidence is limited at this time, the clinical significance of this alteration remains unclear.

NM_001211.6(BUB1B):c.515A>G (p.Asp172Gly)

Gene: BUB1B (BUB1 mitotic checkpoint serine/threonine kinase B; plus strand). Cytogenetic location: 15q15.1.
Variant type: single nucleotide variant.
Coding change: c.515A>G on transcript NM_001211.6 (MANE Select); coding-DNA position 515, A replaced by G.
Protein change: p.Asp172Gly; replaces aspartic acid 172 with glycine.
Molecular consequence: missense variant.
Genome position (GRCh38, 1-based): chr15:40,176,607, A>G. VCF-style: chr15-40176607-A-G. GRCh37 (hg19) VCF-style: chr15-40468808-A-G.
Other names: short protein forms D172G.
Identifiers: ClinVar variation 2497648 (VCV002497648.2), dbSNP rs2037226767, ClinGen allele CA391681333.